The following is an entry in ClinVar:

ClinVar aggregate classification (germline): Conflicting classifications of pathogenicity. Review status: criteria provided, conflicting classifications (1 of 4 stars). 3 submissions from 3 submitters: Uncertain significance (1); Likely benign (1). 1 of the submissions does not count toward it. Last evaluated 2026-01-01.

Conditions:
FSCN2-related disorder. Also called: FSCN2-related condition.

Allele frequency attached by ClinVar (database versions not stated): gnomAD exomes 0.00004; ExAC 0.00018; ESP Exome Variant Server 0.00022; gnomAD 0.00023 and 0.00024; TOPMed 0.00029; 1000 Genomes Project 30x 0.00047.
gnomAD v4.1: 99 of 1,533,706 alleles (0.0065%); highest among the groups gnomAD compares: African/African-American, 0.077%; 1 homozygote.

Submissions (3):

Labcorp Genetics (formerly Invitae), Labcorp
Classification: Likely benign. Last evaluated: 2026-01-01. Review status: criteria provided, single submitter. Criteria: Invitae Variant Classification Sherloc (09022015). Collection method: clinical testing. Allele origin: germline.

Eurofins Ntd Llc (ga)
Classification: Uncertain significance. Last evaluated: 2016-12-02. Review status: criteria provided, single submitter. Criteria: EGL Classification Definitions 2015. Collection method: clinical testing. Allele origin: germline. Observed: 1 variant allele, 1 heterozygote.

PreventionGenetics, part of Exact Sciences
Classification: Likely benign for FSCN2-related condition. Last evaluated: 2019-07-01. Review status: no assertion criteria provided. Collection method: clinical testing. Allele origin: germline. Not counted in ClinVar's aggregate classification.
Comment: This variant is classified as likely benign based on ACMG/AMP sequence variant interpretation guidelines (Richards et al. 2015 PMID: 25741868, with internal and published modifications).

NM_012418.4(FSCN2):c.867C>T (p.His289=)

Gene: FSCN2 (fascin actin-bundling protein 2, retinal; plus strand). Cytogenetic location: 17q25.3.
Variant type: single nucleotide variant.
Coding change: c.867C>T on transcript NM_012418.4 (MANE Select); coding-DNA position 867, C replaced by T.
Protein change: p.His289=; no amino-acid change (histidine 289 retained).
Molecular consequence: synonymous variant.
Genome position (GRCh38, 1-based): chr17:81,535,092, C>T. VCF-style: chr17-81535092-C-T. GRCh37 (hg19) VCF-style: chr17-79502118-C-T.
Other names: c.867C>T, p.His289= (NM_001077182.3).
Identifiers: ClinVar variation 498462 (VCV000498462.18), dbSNP rs368687488, ClinGen allele CA8836895.